The following is an entry in ClinVar:

ClinVar aggregate classification (germline): Likely pathogenic (1 of 4 stars; one submission).

Conditions:
Early-infantile DEE. Also called: Early infantile epileptic encephalopathy; Early infantile epileptic encephalopathy with suppression bursts; Ohtahara syndrome. Identifiers: Orphanet 1934, MedGen C0393706, MONDO:0800491.

Allele frequency attached by ClinVar (database versions not stated): TOPMed below 0.00001; gnomAD exomes below 0.00001; ESP Exome Variant Server 0.00008.
gnomAD v4.1: 2 of 1,613,842 alleles (0.00012%); highest among the groups gnomAD compares: Non-Finnish European, 0.00017%; no homozygotes.

Submission:

Labcorp Genetics (formerly Invitae), Labcorp
Classification: Likely pathogenic for Early-infantile DEE. Last evaluated: 2022-08-23. Review status: criteria provided, single submitter. Criteria: Invitae Variant Classification Sherloc (09022015). Collection method: clinical testing. Allele origin: germline.
Comment: In summary, the currently available evidence indicates that the variant is pathogenic, but additional data are needed to prove that conclusively. Therefore, this variant has been classified as Likely Pathogenic. This variant disrupts the p.Ile1673 amino acid residue in SCN1A. Other variant(s) that disrupt this residue have been determined to be pathogenic (PMID: 21248271, 26339958, 28202706). This suggests that this residue is clinically significant, and that variants that disrupt this residue are likely to be disease-causing. Advanced modeling of protein sequence and biophysical properties (such as structural, functional, and spatial information, amino acid conservation, physicochemical variation, residue mobility, and thermodynamic stability) performed at Invitae indicates that this missense variant is expected to disrupt SCN1A protein function. ClinVar contains an entry for this variant (Variation ID: 1501441). This variant has not been reported in the literature in individuals affected with SCN1A-related conditions. This variant is not present in population databases (gnomAD no frequency). This sequence change replaces isoleucine, which is neutral and non-polar, with valine, which is neutral and non-polar, at codon 1673 of the SCN1A protein (p.Ile1673Val).

Literature cited by the submitters: PubMed 21248271; PubMed 26339958; PubMed 28202706.

NM_001165963.4(SCN1A):c.5017A>G (p.Ile1673Val)

Genes: SCN1A (sodium voltage-gated channel alpha subunit 1; minus strand), LOC102724058 (uncharacterized LOC102724058; plus strand). Cytogenetic location: 2q24.3.
Variant type: single nucleotide variant.
Coding change: c.5017A>G on transcript NM_001165963.4 (MANE Select); coding-DNA position 5017, A replaced by G.
Protein change: p.Ile1673Val; replaces isoleucine 1673 with valine.
Molecular consequence: missense variant. On other transcripts: non-coding transcript variant (1).
Genome position (GRCh38, 1-based): chr2:165,992,258, T>C on the plus strand (A>G on the coding strand, the complement: SCN1A is on the minus strand). VCF-style: chr2-165992258-T-C. GRCh37 (hg19) VCF-style: chr2-166848768-T-C.
Other names: c.4933A>G, p.Ile1645Val (NM_001165964.3, NM_001353957.2, NM_001353958.2); c.5017A>G, p.Ile1673Val (NM_001202435.3, NM_001353948.2); c.4984A>G, p.Ile1662Val (NM_001353949.2, NM_001353950.2, NM_001353951.2 and 2 more transcripts); c.4981A>G, p.Ile1661Val (NM_001353954.2, NM_001353955.2); c.4930A>G, p.Ile1644Val (NM_001353960.2); c.2575A>G, p.Ile859Val (NM_001353961.2); short protein forms I1661V, I1645V, I859V, I1644V, I1673V, I1662V.
Identifiers: ClinVar variation 1501441 (VCV001501441.7), dbSNP rs375651364, ClinGen allele CA59798653.